The following is an entry in ClinVar:

ClinVar aggregate classification (germline): Uncertain significance (1 of 4 stars; one submission).

Submission:

Labcorp Genetics (formerly Invitae), Labcorp
Classification: Uncertain significance. Last evaluated: 2024-03-11. Review status: criteria provided, single submitter. Criteria: Invitae Variant Classification Sherloc (09022015). Collection method: clinical testing. Allele origin: germline.
Comment: This sequence change replaces glutamic acid, which is acidic and polar, with lysine, which is basic and polar, at codon 126 of the ALDH6A1 protein (p.Glu126Lys). This variant is not present in population databases (gnomAD no frequency). This variant has not been reported in the literature in individuals affected with ALDH6A1-related conditions. ClinVar contains an entry for this variant (Variation ID: 1902767). An algorithm developed to predict the effect of missense changes on protein structure and function (PolyPhen-2) suggests that this variant is likely to be disruptive. In summary, the available evidence is currently insufficient to determine the role of this variant in disease. Therefore, it has been classified as a Variant of Uncertain Significance.

NM_005589.4(ALDH6A1):c.376G>A (p.Glu126Lys)

Genes: ALDH6A1 (aldehyde dehydrogenase 6 family member A1; minus strand), BBOF1 (basal body orientation factor 1; plus strand). Cytogenetic location: 14q24.3.
Variant type: single nucleotide variant.
Coding change: c.376G>A on transcript NM_005589.4 (MANE Select); coding-DNA position 376, G replaced by A.
Protein change: p.Glu126Lys; replaces glutamic acid 126 with lysine.
Molecular consequence: missense variant. On other transcripts: 5 prime UTR variant (1).
Genome position (GRCh38, 1-based): chr14:74,071,947, C>T on the plus strand (G>A on the coding strand, the complement: ALDH6A1 is on the minus strand). VCF-style: chr14-74071947-C-T. GRCh37 (hg19) VCF-style: chr14-74538650-C-T.
Other names: c.337G>A, p.Glu113Lys (NM_001278593.2); c.-250G>A (NM_001278594.2); short protein forms E126K, E113K.
Identifiers: ClinVar variation 1902767 (VCV001902767.5), dbSNP rs1595125877, ClinGen allele CA390372673.